The following is an entry in ClinVar:

ClinVar aggregate classification (germline): Uncertain significance (1 of 4 stars; one submission).

Conditions:
Hypogonadotropic hypogonadism 1 with or without anosmia (HH1). Also called: Hypogonadotropic hypogonadism 1 with or without anosmia (Kallmann syndrome 1); HYPOGONADOTROPIC HYPOGONADISM 1 WITH ANOSMIA; HYPOGONADOTROPIC HYPOGONADISM AND ANOSMIA; Kallmann syndrome, type 1, X-linked; DYSPLASIA OLFACTOGENITALIS OF DE MORSIER; KAL1-Related GnRH Deficiency (Kallmann Syndrome 1; Kallmann Syndrome, X-Linked). Identifiers: Orphanet 478, MedGen C1563719, MONDO:0010635, OMIM 308700. Disease mechanism: loss of function.

Allele frequency attached by ClinVar (database versions not stated): gnomAD 0.00001.

Submission:

Labcorp Genetics (formerly Invitae), Labcorp
Classification: Uncertain significance for Hypogonadotropic hypogonadism 1 with or without anosmia. Last evaluated: 2025-06-12. Review status: criteria provided, single submitter. Criteria: Invitae Variant Classification Sherloc (09022015). Collection method: clinical testing. Allele origin: germline.
Comment: This sequence change replaces valine, which is neutral and non-polar, with isoleucine, which is neutral and non-polar, at codon 9 of the ANOS1 protein (p.Val9Ile). This variant is not present in population databases (gnomAD no frequency). This variant has not been reported in the literature in individuals affected with ANOS1-related conditions. ClinVar contains an entry for this variant (Variation ID: 2129398). An algorithm developed to predict the effect of missense changes on protein structure and function (PolyPhen-2) suggests that this variant is likely to be tolerated. In summary, the available evidence is currently insufficient to determine the role of this variant in disease. Therefore, it has been classified as a Variant of Uncertain Significance.

NM_000216.4(ANOS1):c.25G>A (p.Val9Ile)

Gene: ANOS1 (anosmin 1; minus strand). Cytogenetic location: Xp22.31.
Variant type: single nucleotide variant.
Coding change: c.25G>A on transcript NM_000216.4 (MANE Select); coding-DNA position 25, G replaced by A.
Protein change: p.Val9Ile; replaces valine 9 with isoleucine.
Molecular consequence: missense variant.
Genome position (GRCh38, 1-based): chrX:8,732,012, C>T on the plus strand (G>A on the coding strand, the complement: ANOS1 is on the minus strand). VCF-style: chrX-8732012-C-T. GRCh37 (hg19) VCF-style: chrX-8700053-C-T.
Other names: short protein forms V9I.
Identifiers: ClinVar variation 2129398 (VCV002129398.4), dbSNP rs1932986115, ClinGen allele CA412024694.